The following is an entry in ClinVar:

NM_001040142.2(SCN2A):c.3568A>G (p.Lys1190Glu)

Gene: SCN2A (sodium voltage-gated channel alpha subunit 2; plus strand). Cytogenetic location: 2q24.3.
Variant type: single nucleotide variant.
Coding change: c.3568A>G on transcript NM_001040142.2 (MANE Select); coding-DNA position 3568, A replaced by G.
Protein change: p.Lys1190Glu; replaces lysine 1190 with glutamic acid.
Molecular consequence: missense variant.
Genome position (GRCh38, 1-based): chr2:165,367,264, A>G. VCF-style: chr2-165367264-A-G. GRCh37 (hg19) VCF-style: chr2-166223774-A-G.
Other names: c.3568A>G, p.Lys1190Glu (NM_001040143.2, NM_001371246.1, NM_001371247.1 and 1 more transcripts); short protein forms K1190E.
Identifiers: ClinVar variation 4999455 (VCV004999455.1).

ClinVar aggregate classification (germline): Uncertain significance (1 of 4 stars; one submission).

Conditions:
SCN2A-related disorder. Also called: SCN2A-related condition; SCN2A-related disorders. Identifiers: MedGen CN382226, MONDO:1060245.

gnomAD v4.1: 1 of 1,614,184 alleles (0.000062%); highest among the groups gnomAD compares: Non-Finnish European, 0.000085%; no homozygotes.

Submission:

PreventionGenetics, part of Exact Sciences
Classification: Uncertain significance for SCN2A-related condition. Last evaluated: 2024-12-16. Review status: criteria provided, single submitter. Criteria: ACMG Guidelines, 2015. Collection method: clinical testing. Allele origin: germline.
Comment: The SCN2A c.3568A>G variant is predicted to result in the amino acid substitution p.Lys1190Glu. To our knowledge, this variant has not been reported in the literature or in a large population database (gnomAD), indicating this variant is rare. At this time, the clinical significance of this variant is uncertain due to the absence of conclusive functional and genetic evidence.